The following is an entry in ClinVar:

ClinVar aggregate classification (germline): Pathogenic (1 of 4 stars; one submission).

Conditions:
Episodic kinesigenic dyskinesia (EKD). Also called: Paroxysmal kinesigenic dyskinesia. Identifiers: Orphanet 98809, MedGen C1868682, MONDO:0044202.

Submission:

Labcorp Genetics (formerly Invitae), Labcorp
Classification: Pathogenic for Episodic kinesigenic dyskinesia. Last evaluated: 2022-01-28. Review status: criteria provided, single submitter. Criteria: Invitae Variant Classification Sherloc (09022015). Collection method: clinical testing. Allele origin: germline.
Comment: For these reasons, this variant has been classified as Pathogenic. ClinVar contains an entry for this variant (Variation ID: 665748). This variant has not been reported in the literature in individuals affected with PRRT2-related conditions. This variant is not present in population databases (gnomAD no frequency). This sequence change creates a premature translational stop signal (p.Trp281*) in the PRRT2 gene. It is expected to result in an absent or disrupted protein product. Loss-of-function variants in PRRT2 are known to be pathogenic (PMID: 22623405, 22744660).

Literature cited by the submitters: PubMed 22623405; PubMed 22744660.

NM_145239.3(PRRT2):c.843G>A (p.Trp281Ter)

Genes: MVP-DT (MVP divergent transcript; minus strand), PRRT2 (proline rich transmembrane protein 2; plus strand). Cytogenetic location: 16p11.2.
Variant type: single nucleotide variant.
Coding change: c.843G>A on transcript NM_145239.3 (MANE Select); coding-DNA position 843, G replaced by A.
Protein change: p.Trp281Ter; replaces tryptophan 281 with a stop codon.
Molecular consequence: nonsense.
Genome position (GRCh38, 1-based): chr16:29,813,897, G>A. VCF-style: chr16-29813897-G-A. GRCh37 (hg19) VCF-style: chr16-29825218-G-A.
Other names: c.843G>A, p.Trp281Ter (NM_001256442.2, NM_001256443.2); short protein forms W281*.
Identifiers: ClinVar variation 665748 (VCV000665748.7), dbSNP rs1596893055, ClinGen allele CA395480078.